The following is an entry in ClinVar:

ClinVar aggregate classification (germline): Likely benign. Review status: criteria provided, multiple submitters, no conflicts (2 of 4 stars). 6 submissions from 6 submitters: Likely benign (4). 2 of the submissions do not count toward it. Last evaluated 2026-01-13.

Conditions:
Cardiovascular phenotype. Identifiers: MedGen CN230736.
Autosomal recessive limb-girdle muscular dystrophy type 2J (LGMDR10). Also called: MUSCULAR DYSTROPHY, LIMB-GIRDLE, AUTOSOMAL RECESSIVE 10; Limb-girdle muscular dystrophy, type 2J. Identifiers: Orphanet 140922, MedGen C1837342, MONDO:0012127, OMIM 608807.
Dilated cardiomyopathy 1G (CMD1G). Identifiers: Orphanet 154, MedGen C1858763, MONDO:0011400, OMIM 604145.

Allele frequency attached by ClinVar (database versions not stated): gnomAD 0.00001; gnomAD exomes 0.00001 and 0.00004; TOPMed 0.00001; ExAC 0.00005; 1000 Genomes Project 30x 0.00016; 1000 Genomes Project 0.00020.
gnomAD v4.1: 19 of 1,613,994 alleles (0.0012%); highest among the groups gnomAD compares: East Asian, 0.04%; no homozygotes.

Submissions (6):

Labcorp Genetics (formerly Invitae), Labcorp
Classification: Likely benign for Dilated cardiomyopathy 1G; Autosomal recessive limb-girdle muscular dystrophy type 2J. Last evaluated: 2026-01-13. Review status: criteria provided, single submitter. Criteria: Invitae Variant Classification Sherloc (09022015). Collection method: clinical testing. Allele origin: germline.

Blueprint Genetics
Classification: Likely benign. Last evaluated: 2022-03-16. Review status: criteria provided, single submitter. Criteria: ACMG Guidelines, 2015. Collection method: clinical testing. Allele origin: germline.

Ambry Genetics
Classification: Likely benign for Cardiovascular phenotype. Last evaluated: 2019-08-10. Review status: criteria provided, single submitter. Criteria: Ambry Variant Classification Scheme 2023. Collection method: clinical testing. Allele origin: germline.

GeneDx
Classification: Likely benign. Last evaluated: 2016-05-23. Review status: criteria provided, single submitter. Criteria: GeneDx Variant Classification (06012015). Collection method: clinical testing. Allele origin: germline. Affected: yes.
Comment: This variant is considered likely benign or benign based on one or more of the following criteria: it is a conservative change, it occurs at a poorly conserved position in the protein, it is predicted to be benign by multiple in silico algorithms, and/or has population frequency not consistent with disease.

Diagnostic Laboratory, Department of Genetics, University Medical Center Groningen
Classification: Likely benign. Review status: no assertion criteria provided. Collection method: clinical testing. Allele origin: germline. Affected: yes. Study: VKGL Data-share Consensus. Not counted in ClinVar's aggregate classification.

Joint Genome Diagnostic Labs from Nijmegen and Maastricht, Radboudumc and MUMC+
Classification: Likely benign. Review status: no assertion criteria provided. Collection method: clinical testing. Allele origin: germline. Affected: yes. Study: VKGL Data-share Consensus. Not counted in ClinVar's aggregate classification.

NM_001267550.2(TTN):c.105336G>A (p.Lys35112=)

Genes: TTN (titin; minus strand), TTN-AS1 (TTN antisense RNA 1; plus strand). Cytogenetic location: 2q31.2.
Variant type: single nucleotide variant.
Coding change: c.105336G>A on transcript NM_001267550.2 (MANE Select); coding-DNA position 105336, G replaced by A.
Protein change: p.Lys35112=; no amino-acid change (lysine 35112 retained).
Molecular consequence: synonymous variant.
Genome position (GRCh38, 1-based): chr2:178,531,279, C>T on the plus strand (G>A on the coding strand, the complement: TTN is on the minus strand). VCF-style: chr2-178531279-C-T. GRCh37 (hg19) VCF-style: chr2-179396006-C-T.
Other names: c.100413G>A, p.Lys33471= (NM_001256850.1); c.78141G>A, p.Lys26047= (NM_003319.4); c.97632G>A, p.Lys32544= (NM_133378.4); c.78516G>A, p.Lys26172= (NM_133432.3); c.78717G>A, p.Lys26239= (NM_133437.4).
Identifiers: ClinVar variation 378833 (VCV000378833.17), dbSNP rs546048021, ClinGen allele CA1985276.